The following is an entry in ClinVar:

NM_000784.4(CYP27A1):c.978G>A (p.Met326Ile)

Gene: CYP27A1 (cytochrome P450 family 27 subfamily A member 1; plus strand). Cytogenetic location: 2q35.
Variant type: single nucleotide variant.
Coding change: c.978G>A on transcript NM_000784.4 (MANE Select); coding-DNA position 978, G replaced by A.
Protein change: p.Met326Ile; replaces methionine 326 with isoleucine.
Molecular consequence: missense variant.
Genome position (GRCh38, 1-based): chr2:218,813,057, G>A. VCF-style: chr2-218813057-G-A. GRCh37 (hg19) VCF-style: chr2-219677780-G-A.
Other names: short protein forms M326I.
Identifiers: ClinVar variation 2165691 (VCV002165691.1), dbSNP rs961947219, ClinGen allele CA65833766.
Genomic context (GRCh38, chr2:218,813,057, plus strand): 5'-GGTGTCTGGCTACCTGCACTTCTTACTGGCCAGTGGACAGCTCAGTCCTCGGGAGGCCAT[G>A]GGCAGCCTGCCTGAGCTGCTCATGGCTGGAGTGGACACGGTGCGTGAAGGGGGAGGGTGA-3'
Protein context (NP_000775.1, residues 316-336): ASGQLSPREA[Met326Ile]GSLPELLMAG

ClinVar aggregate classification (germline): Uncertain significance (1 of 4 stars; one submission).

Conditions:
Cholestanol storage disease (CTX). Also called: CEREBRAL CHOLESTERINOSIS; CTX: Cerebrotendinous xanthomatosis; Cerebrotendinous Xanthomatosis. Identifiers: Orphanet 909, MedGen C0238052, MONDO:0008948, OMIM 213700.

Allele frequency attached by ClinVar (database versions not stated): TOPMed below 0.00001; gnomAD exomes 0.00001.
gnomAD v4.1: 12 of 1,613,970 alleles (0.00074%); highest among the groups gnomAD compares: Middle Eastern, 0.017%; no homozygotes.

Submission:

Labcorp Genetics (formerly Invitae), Labcorp
Classification: Uncertain significance for Cholestanol storage disease. Last evaluated: 2022-08-21. Review status: criteria provided, single submitter. Criteria: Invitae Variant Classification Sherloc (09022015). Collection method: clinical testing. Allele origin: germline.
Comment: This sequence change replaces methionine, which is neutral and non-polar, with isoleucine, which is neutral and non-polar, at codon 326 of the CYP27A1 protein (p.Met326Ile). This variant is not present in population databases (gnomAD no frequency). This variant has not been reported in the literature in individuals affected with CYP27A1-related conditions. Advanced modeling of protein sequence and biophysical properties (such as structural, functional, and spatial information, amino acid conservation, physicochemical variation, residue mobility, and thermodynamic stability) performed at Invitae indicates that this missense variant is not expected to disrupt CYP27A1 protein function. In summary, the available evidence is currently insufficient to determine the role of this variant in disease. Therefore, it has been classified as a Variant of Uncertain Significance.